The following is an entry in ClinVar:

ClinVar aggregate classification (germline): Benign. Review status: criteria provided, multiple submitters, no conflicts (2 of 4 stars). 12 submissions from 10 submitters: Benign (9). 3 of the submissions do not count toward it. Last evaluated 2026-02-03.

Conditions:
Neuropathy, hereditary sensory and autonomic, type 2A (HSAN2A). Also called: WNK1-Related HSAN2 (HSAN2A); NEUROPATHY, CONGENITAL SENSORY; NEUROPATHY, HEREDITARY SENSORY RADICULAR, AUTOSOMAL RECESSIVE; NEUROPATHY, HEREDITARY SENSORY, TYPE IIA; NEUROPATHY, PROGRESSIVE SENSORY, OF CHILDREN; HSAN IIA. Identifiers: Orphanet 970, MedGen C2752089, MONDO:0024309, OMIM 201300.
Generalized epilepsy with febrile seizures plus, type 7 (GEFSP7). Also called: GEFS+, TYPE 7. Identifiers: Orphanet 36387, MedGen C2751778, MONDO:0013470, OMIM 613863.
Primary erythromelalgia. Also called: SCN9A Erythromelalgia (SCN9A-EM); primary erythermalgia. Identifiers: Orphanet 306577, Orphanet 90026, MedGen C0014805, MONDO:0007571, OMIM 133020.
Channelopathy-associated congenital insensitivity to pain, autosomal recessive. Also called: Insensitivity to pain, channelopathy-associated; ASYMBOLIA FOR PAIN; CONGENITAL ANALGESIA, AUTOSOMAL RECESSIVE. Identifiers: Orphanet 88642, Orphanet 970, MedGen C1855739, MONDO:0009459, OMIM 243000.
Paroxysmal extreme pain disorder (PEXPD). Also called: SCN9A Paroxysmal Extreme Pain Disorder (SCN9A-PEPD); PAIN, SUBMANDIBULAR, OCULAR, AND RECTAL, WITH FLUSHING; RECTAL PAIN, FAMILIAL. Identifiers: Orphanet 46348, MedGen C1833661, MONDO:0008179, OMIM 167400.

Allele frequency attached by ClinVar (database versions not stated): gnomAD exomes 0.00167 and 0.00511; ExAC 0.00729; ESP Exome Variant Server 0.02043; gnomAD 0.02091 and 0.02262; TOPMed 0.02362; 1000 Genomes Project 0.02496; 1000 Genomes Project 30x 0.02701.
gnomAD v4.1: 5,614 of 1,557,906 alleles (0.36%); highest among the groups gnomAD compares: African/African-American, 7.1%; 224 homozygotes.

Submissions (12):

Labcorp Genetics (formerly Invitae), Labcorp
Classification: Benign for Neuropathy, hereditary sensory and autonomic, type 2A; Generalized epilepsy with febrile seizures plus, type 7. Last evaluated: 2026-02-03. Review status: criteria provided, single submitter. Criteria: Invitae Variant Classification Sherloc (09022015). Collection method: clinical testing. Allele origin: germline.

ARUP Laboratories, Molecular Genetics and Genomics, ARUP Laboratories
Classification: Benign. Last evaluated: 2023-10-14. Review status: criteria provided, single submitter. Criteria: ARUP Molecular Germline Variant Investigation Process 2024. Collection method: clinical testing. Allele origin: germline.

Illumina Laboratory Services, Illumina
Classification: Benign for Primary erythromelalgia. Last evaluated: 2018-01-12. Review status: criteria provided, single submitter. Criteria: ICSL Variant Classification Criteria 13 December 2019. Collection method: clinical testing. Allele origin: germline.
Comment: This variant was observed in the ICSL laboratory as part of a predisposition screen in an ostensibly healthy population. It had not been previously curated by ICSL or reported in the Human Gene Mutation Database (HGMD: prior to June 1st, 2018), and was therefore a candidate for classification through an automated scoring system. Utilizing variant allele frequency, disease prevalence and penetrance estimates, and inheritance mode, an automated score was calculated to assess if this variant is too frequent to cause the disease. Based on the score and internal cut-off values, a variant classified as benign is not then subjected to further curation. The score for this variant resulted in a classification of benign for this disease.

Illumina Laboratory Services, Illumina
Classification: Benign for Paroxysmal extreme pain disorder. Last evaluated: 2018-01-12. Review status: criteria provided, single submitter. Criteria: ICSL Variant Classification Criteria 13 December 2019. Collection method: clinical testing. Allele origin: germline.
Comment: the same text as in the submission from Illumina Laboratory Services, Illumina above.

Illumina Laboratory Services, Illumina
Classification: Benign for Channelopathy-associated congenital insensitivity to pain, autosomal recessive. Last evaluated: 2018-01-12. Review status: criteria provided, single submitter. Criteria: ICSL Variant Classification Criteria 13 December 2019. Collection method: clinical testing. Allele origin: germline.
Comment: the same text as in the submission from Illumina Laboratory Services, Illumina above.

Mayo Clinic Laboratories, Mayo Clinic
Classification: Benign. Last evaluated: 2016-05-13. Review status: criteria provided, single submitter. Criteria: ACMG Guidelines, 2015. Collection method: clinical testing. Allele origin: germline. Observed: 16 variant alleles.

GeneDx
Classification: Benign. Last evaluated: 2015-03-03. Review status: criteria provided, single submitter. Criteria: GeneDx Variant Classification Process June 2021. Collection method: clinical testing. Allele origin: germline. Affected: yes.

Breakthrough Genomics
Classification: Benign. Review status: criteria provided, single submitter. Criteria: ACMG Guidelines, 2015. Collection method: not provided. Allele origin: germline. Inheritance: Autosomal recessive inheritance. Affected: yes.

PreventionGenetics, part of Exact Sciences
Classification: Benign. Review status: criteria provided, single submitter. Criteria: ACMG Guidelines, 2015. Collection method: clinical testing. Allele origin: germline.

Clinical Genetics, Academic Medical Center
Classification: Benign. Review status: no assertion criteria provided. Collection method: clinical testing. Allele origin: germline. Affected: yes. Study: VKGL Data-share Consensus. Not counted in ClinVar's aggregate classification.

Genetic Services Laboratory, University of Chicago
Classification: Likely benign for AllHighlyPenetrant. Review status: no assertion criteria provided. Collection method: clinical testing. Allele origin: germline. Inheritance: Autosomal dominant inheritance. Not counted in ClinVar's aggregate classification.
Comment: Likely benign based on allele frequency in 1000 Genomes Project or ESP global frequency and its presence in a patient with a rare or unrelated disease phenotype. NOT Sanger confirmed.

Genome Diagnostics Laboratory, University Medical Center Utrecht
Classification: Likely benign. Review status: no assertion criteria provided. Collection method: clinical testing. Allele origin: germline. Affected: yes. Study: VKGL Data-share Consensus. Not counted in ClinVar's aggregate classification.

NM_001365536.1(SCN9A):c.3802-8T>C

Genes: SCN1A-AS1 (SCN1A and SCN9A antisense RNA 1; plus strand), SCN9A (sodium voltage-gated channel alpha subunit 9; minus strand). Cytogenetic location: 2q24.3.
Variant type: single nucleotide variant.
Coding change: c.3802-8T>C on transcript NM_001365536.1 (MANE Select); 8 bases into the intron before coding-DNA position 3802, T replaced by C.
Molecular consequence: intron variant.
Genome position (GRCh38, 1-based): chr2:166,233,470, A>G on the plus strand (T>C on the coding strand, the complement: SCN9A is on the minus strand). VCF-style: chr2-166233470-A-G. GRCh37 (hg19) VCF-style: chr2-167089980-A-G.
Other names: p.?; c.3769-8T>C (NM_002977.4).
Identifiers: ClinVar variation 130267 (VCV000130267.35), dbSNP rs76550960, ClinGen allele CA155132.